The following is an entry in ClinVar:

NM_144997.7(FLCN):c.1280C>T (p.Pro427Leu)

Gene: FLCN (folliculin; minus strand). Cytogenetic location: 17p11.2.
Variant type: single nucleotide variant.
Coding change: c.1280C>T on transcript NM_144997.7 (MANE Select); coding-DNA position 1280, C replaced by T.
Protein change: p.Pro427Leu; replaces proline 427 with leucine.
Molecular consequence: missense variant.
Genome position (GRCh38, 1-based): chr17:17,216,400, G>A on the plus strand (C>T on the coding strand, the complement: FLCN is on the minus strand). VCF-style: chr17-17216400-G-A. GRCh37 (hg19) VCF-style: chr17-17119714-G-A.
Other names: c.1280C>T (LRG_325t1); c.1334C>T, p.Pro445Leu (NM_001353229.2); c.1280C>T, p.Pro427Leu (NM_001353230.2, NM_001353231.2); short protein forms P427L, P445L.
Identifiers: ClinVar variation 566387 (VCV000566387.14), dbSNP rs766218250, ClinGen allele CA288307171.

ClinVar aggregate classification (germline): Uncertain significance. Review status: criteria provided, multiple submitters, no conflicts (2 of 4 stars). 2 submissions from 2 submitters: Uncertain significance (2). Last evaluated 2025-09-10.

Conditions:
Birt-Hogg-Dube syndrome. Also called: Birt Hogg Dubé syndrome. Identifiers: Orphanet 122, MedGen C0346010, MONDO:0800444.
Hereditary cancer-predisposing syndrome. Also called: Neoplastic Syndromes, Hereditary; Tumor predisposition; Hereditary Cancer Syndrome; Hereditary neoplastic syndrome. Identifiers: Orphanet 140162, MedGen C0027672, MeSH D009386, MONDO:0015356.

Allele frequency attached by ClinVar (database versions not stated): TOPMed 0.00003.
gnomAD v4.1: 21 of 1,613,532 alleles (0.0013%); highest among the groups gnomAD compares: African/African-American, 0.0027%; no homozygotes.

Submissions (2):

Labcorp Genetics (formerly Invitae), Labcorp
Classification: Uncertain significance for Birt-Hogg-Dube syndrome. Last evaluated: 2025-09-10. Review status: criteria provided, single submitter. Criteria: Invitae Variant Classification Sherloc (09022015). Collection method: clinical testing. Allele origin: germline.
Comment: This sequence change replaces proline, which is neutral and non-polar, with leucine, which is neutral and non-polar, at codon 427 of the FLCN protein (p.Pro427Leu). This variant is present in population databases (no rsID available, gnomAD 0.007%). This variant has not been reported in the literature in individuals affected with FLCN-related conditions. ClinVar contains an entry for this variant (Variation ID: 566387). Invitae Evidence Modeling of protein sequence and biophysical properties (such as structural, functional, and spatial information, amino acid conservation, physicochemical variation, residue mobility, and thermodynamic stability) indicates that this missense variant is expected to disrupt FLCN protein function with a positive predictive value of 80%. In summary, the available evidence is currently insufficient to determine the role of this variant in disease. Therefore, it has been classified as a Variant of Uncertain Significance.

Ambry Genetics
Classification: Uncertain significance for Hereditary cancer-predisposing syndrome. Last evaluated: 2024-10-13. Review status: criteria provided, single submitter. Criteria: Ambry Variant Classification Scheme 2023. Collection method: clinical testing. Allele origin: germline.
Comment: The p.P427L variant (also known as c.1280C>T), located in coding exon 8 of the FLCN gene, results from a C to T substitution at nucleotide position 1280. The proline at codon 427 is replaced by leucine, an amino acid with similar properties. This amino acid position is highly conserved in available vertebrate species. In addition, this alteration is predicted to be deleterious by in silico analysis. Since supporting evidence is limited at this time, the clinical significance of this alteration remains unclear.